The following is an entry in ClinVar:

NM_014423.4(AFF4):c.1067A>G (p.Asn356Ser)

Gene: AFF4 (ALF transcription elongation factor 4; minus strand). Cytogenetic location: 5q31.1.
Variant type: single nucleotide variant.
Coding change: c.1067A>G on transcript NM_014423.4 (MANE Select); coding-DNA position 1067, A replaced by G.
Protein change: p.Asn356Ser; replaces asparagine 356 with serine.
Molecular consequence: missense variant.
Genome position (GRCh38, 1-based): chr5:132,904,388, T>C on the plus strand (A>G on the coding strand, the complement: AFF4 is on the minus strand). VCF-style: chr5-132904388-T-C. GRCh37 (hg19) VCF-style: chr5-132240080-T-C.
Other names: c.1067A>G (NM_014423.3); short protein forms N356S.
Identifiers: ClinVar variation 1430224 (VCV001430224.9), dbSNP rs145445063, ClinGen allele CA3409241.

ClinVar aggregate classification (germline): Conflicting classifications of pathogenicity. Review status: criteria provided, conflicting classifications (1 of 4 stars). 3 submissions from 3 submitters: Uncertain significance (1); Likely benign (1). 1 of the submissions does not count toward it. Last evaluated 2025-05-28.

Conditions:
Cognitive impairment - coarse facies - heart defects - obesity - pulmonary involvement - short stature - skeletal dysplasia syndrome. Also called: AFF4-Related CHOPS Syndrome; COGNITIVE IMPAIRMENT, COARSE FACIES, HEART DEFECTS, OBESITY, PULMONARY INVOLVEMENT, SHORT STATURE, AND SKELETAL DYSPLASIA; Chops syndrome. Identifiers: Orphanet 444077, MedGen C4085597, MONDO:0014609, OMIM 616368.
Inborn genetic diseases. Identifiers: MedGen C0950123, MeSH D030342.
AFF4-related disorder. Also called: AFF4-related condition.

Allele frequency attached by ClinVar (database versions not stated): gnomAD 0.00019; 1000 Genomes Project 0.00020; gnomAD exomes 0.00006 and 0.00012; ESP Exome Variant Server 0.00008; ExAC 0.00014; 1000 Genomes Project 30x 0.00016; TOPMed 0.00017.
gnomAD v4.1: 113 of 1,611,720 alleles (0.007%); highest among the groups gnomAD compares: East Asian, 0.06%; no homozygotes.

Submissions (3):

Labcorp Genetics (formerly Invitae), Labcorp
Classification: Uncertain significance for Cognitive impairment - coarse facies - heart defects - obesity - pulmonary involvement - short stature - skeletal dysplasia syndrome. Last evaluated: 2025-05-28. Review status: criteria provided, single submitter. Criteria: Invitae Variant Classification Sherloc (09022015). Collection method: clinical testing. Allele origin: germline.
Comment: This sequence change replaces asparagine, which is neutral and polar, with serine, which is neutral and polar, at codon 356 of the AFF4 protein (p.Asn356Ser). This variant is present in population databases (rs145445063, gnomAD 0.06%), and has an allele count higher than expected for a pathogenic variant. This variant has not been reported in the literature in individuals affected with AFF4-related conditions. ClinVar contains an entry for this variant (Variation ID: 1430224). Invitae Evidence Modeling of protein sequence and biophysical properties (such as structural, functional, and spatial information, amino acid conservation, physicochemical variation, residue mobility, and thermodynamic stability) indicates that this missense variant is not expected to disrupt AFF4 protein function with a negative predictive value of 80%. In summary, the available evidence is currently insufficient to determine the role of this variant in disease. Therefore, it has been classified as a Variant of Uncertain Significance.

Ambry Genetics
Classification: Likely benign for Inborn genetic diseases. Last evaluated: 2022-09-14. Review status: criteria provided, single submitter. Criteria: Ambry Variant Classification Scheme 2023. Collection method: clinical testing. Allele origin: germline.

PreventionGenetics, part of Exact Sciences
Classification: Likely benign for AFF4-related condition. Last evaluated: 2022-05-20. Review status: no assertion criteria provided. Collection method: clinical testing. Allele origin: germline. Not counted in ClinVar's aggregate classification.
Comment: This variant is classified as likely benign based on ACMG/AMP sequence variant interpretation guidelines (Richards et al. 2015 PMID: 25741868, with internal and published modifications).